The following is an entry in ClinVar:

ClinVar aggregate classification (germline): Uncertain significance (1 of 4 stars; one submission).

Submission:

GeneDx
Classification: Uncertain significance. Last evaluated: 2023-12-22. Review status: criteria provided, single submitter. Criteria: GeneDx Variant Classification Process June 2021. Collection method: clinical testing. Allele origin: germline. Affected: yes.
Comment: Not observed at significant frequency in large population cohorts (gnomAD); In silico analysis supports that this missense variant does not alter protein structure/function; Has not been previously published as pathogenic or benign to our knowledge

NM_001386298.1(CIC):c.4753G>A (p.Val1585Met)

Gene: CIC (capicua transcriptional repressor; plus strand). Cytogenetic location: 19q13.2.
Variant type: single nucleotide variant.
Coding change: c.4753G>A on transcript NM_001386298.1 (MANE Select); coding-DNA position 4753, G replaced by A.
Protein change: p.Val1585Met; replaces valine 1585 with methionine.
Molecular consequence: missense variant.
Genome position (GRCh38, 1-based): chr19:42,290,794, G>A. VCF-style: chr19-42290794-G-A. GRCh37 (hg19) VCF-style: chr19-42794946-G-A.
Other names: c.4753G>A, p.Val1585Met (NM_001304815.2, NM_001379480.1, NM_001379482.1); c.2026G>A, p.Val676Met (NM_001379484.1, NM_001379485.1, NM_015125.5); short protein forms V1585M, V676M.
Identifiers: ClinVar variation 3253032 (VCV003253032.1), dbSNP rs2147261516.